The following is an entry in ClinVar:

ClinVar aggregate classification (germline): Pathogenic. Review status: reviewed by expert panel (3 of 4 stars). 2 submissions from 2 submitters: Pathogenic (1). 1 of the submissions does not count toward it. Last evaluated 2016-10-18.

Conditions:
Breast-ovarian cancer, familial, susceptibility to, 2 (BROVCA2). Also called: BRCA2 Hereditary Breast and Ovarian Cancer. Identifiers: Orphanet 145, MedGen C2675520, MONDO:0012933, OMIM 612555. Disease mechanism: loss of function.

Submissions (2):

Evidence-based Network for the Interpretation of Germline Mutant Alleles (ENIGMA)
Classification: Pathogenic for Breast-ovarian cancer, familial, susceptibility to, 2. Last evaluated: 2016-10-18. Review status: reviewed by expert panel. Criteria: ENIGMA BRCA1/2 Classification Criteria (2015). Collection method: curation. Allele origin: germline.
Comment: Variant allele predicted to encode a truncated non-functional protein.

Consortium of Investigators of Modifiers of BRCA1/2 (CIMBA), c/o University of Cambridge
Classification: Pathogenic for Breast-ovarian cancer, familial, susceptibility to, 2. Last evaluated: 2015-10-02. Review status: criteria provided, single submitter. Criteria: CIMBA Mutation Classification guidelines May 2016. Collection method: clinical testing. Allele origin: germline. Not counted in ClinVar's aggregate classification.

NC_000013.11:g.32339658_32339666delinsA

Gene: BRCA2 (BRCA2 DNA repair associated; plus strand). Cytogenetic location: 13q13.1.
Variant type: Indel.
Genome position: GRCh38 VCF-style: chr13-32339658-TTGATTCTG-A. GRCh37 (hg19) VCF-style: chr13-32913795-TTGATTCTG-A.
Other names: 5531_5539delinsA; c.5303_5311delinsA, p.Leu1768fs (LRG_293t1).
Identifiers: ClinVar variation 266870 (VCV000266870.5), dbSNP rs886040587, ClinGen allele CA10589307.
Genomic context (GRCh38, chr13:32,339,658, plus strand): 5'-GCTATTCCTACCATTCTGATGAGGTATATAATGATTCAGGATATCTCTCAAAAAATAAAC[TTGATTCTG>A]GTATTGAGCCAGTATTGAAGAATGTTGAAGATCAAAAAAACACTAGTTTTTCCAAAGTAA-3'